The following is an entry in ClinVar:

NM_000203.5(IDUA):c.556C>T (p.His186Tyr)

Gene: IDUA (alpha-L-iduronidase; plus strand). Cytogenetic location: 4p16.3.
Variant type: single nucleotide variant.
Coding change: c.556C>T on transcript NM_000203.5 (MANE Select); coding-DNA position 556, C replaced by T.
Protein change: p.His186Tyr; replaces histidine 186 with tyrosine.
Molecular consequence: missense variant. On other transcripts: non-coding transcript variant (1).
Genome position (GRCh38, 1-based): chr4:1,001,530, C>T. VCF-style: chr4-1001530-C-T. GRCh37 (hg19) VCF-style: chr4-995318-C-T.
Other names: c.160C>T, p.His54Tyr (NM_001363576.1); short protein forms H54Y, H186Y.
Identifiers: ClinVar variation 2157520 (VCV002157520.1), dbSNP rs1383523877, ClinGen allele CA355961761.

ClinVar aggregate classification (germline): Uncertain significance (1 of 4 stars; one submission).

Conditions:
Mucopolysaccharidosis type 1. Also called: IDUA deficiency; MPS I. Identifiers: Orphanet 579, MedGen C0023786, MONDO:0001586.

Allele frequency attached by ClinVar (database versions not stated): gnomAD exomes below 0.00001.
gnomAD v4.1: 2 of 1,613,194 alleles (0.00012%); highest among the groups gnomAD compares: East Asian, 0.0045%; no homozygotes.

Submission:

Labcorp Genetics (formerly Invitae), Labcorp
Classification: Uncertain significance for Mucopolysaccharidosis type 1. Last evaluated: 2022-07-12. Review status: criteria provided, single submitter. Criteria: Invitae Variant Classification Sherloc (09022015). Collection method: clinical testing. Allele origin: germline.
Comment: This sequence change replaces histidine, which is basic and polar, with tyrosine, which is neutral and polar, at codon 186 of the IDUA protein (p.His186Tyr). This variant is present in population databases (no rsID available, gnomAD 0.01%). This variant has not been reported in the literature in individuals affected with IDUA-related conditions. Advanced modeling of protein sequence and biophysical properties (such as structural, functional, and spatial information, amino acid conservation, physicochemical variation, residue mobility, and thermodynamic stability) performed at Invitae indicates that this missense variant is expected to disrupt IDUA protein function. In summary, the available evidence is currently insufficient to determine the role of this variant in disease. Therefore, it has been classified as a Variant of Uncertain Significance.